The following is an entry in ClinVar:

NM_001384474.1(LOXHD1):c.1843_1849del (p.Met614_Arg615insTer)

Gene: LOXHD1 (lipoxygenase homology PLAT domains 1; minus strand). Cytogenetic location: 18q21.1.
Variant type: Deletion.
Coding change: c.1843_1849del on transcript NM_001384474.1 (MANE Select); coding-DNA positions 1843 to 1849, 7 bases deleted (CGGAATG; older notation c.1843_1849delCGGAATG).
Protein change: p.Met614_Arg615insTer.
Molecular consequence: nonsense.
Genome position (GRCh38, 1-based): chr18:46,577,828-46,577,834, CATTCCG deleted on the plus strand (CGGAATG on the coding strand, the reverse complement: LOXHD1 is on the minus strand); deleting any 7 consecutive bases within chr18:46,577,828-46,577,837 gives the same sequence; the c. name uses the placement nearest the transcript's 3' end. VCF-style (leftmost placement, unchanged base first): chr18-46577827-ACATTCCG-A. GRCh37 (hg19) VCF-style: chr18-44157790-ACATTCCG-A.
Other names: c.1843_1849del, p.Met614_Arg615insTer (NM_144612.7).
Identifiers: ClinVar variation 2854255 (VCV002854255.3), dbSNP rs2511883378, ClinGen allele CA2739268724.

ClinVar aggregate classification (germline): Pathogenic (1 of 4 stars; one submission).

Submission:

Labcorp Genetics (formerly Invitae), Labcorp
Classification: Pathogenic. Last evaluated: 2023-04-09. Review status: criteria provided, single submitter. Criteria: Invitae Variant Classification Sherloc (09022015). Collection method: clinical testing. Allele origin: germline.
Comment: For these reasons, this variant has been classified as Pathogenic. This variant has not been reported in the literature in individuals affected with LOXHD1-related conditions. This variant is not present in population databases (gnomAD no frequency). This sequence change creates a premature translational stop signal (p.Arg615*) in the LOXHD1 gene. It is expected to result in an absent or disrupted protein product. Loss-of-function variants in LOXHD1 are known to be pathogenic (PMID: 19732867, 21465660, 25792669).

Literature cited by the submitters: PubMed 19732867; PubMed 21465660; PubMed 25792669.